The following is an entry in ClinVar:

NM_153460.4(IL17RC):c.280+18T>G

Gene: IL17RC (interleukin 17 receptor C; plus strand). Cytogenetic location: 3p25.3.
Variant type: single nucleotide variant.
Coding change: c.280+18T>G on transcript NM_153460.4 (MANE Select); 18 bases into the intron after coding-DNA position 280, T replaced by G.
Molecular consequence: intron variant.
Genome position (GRCh38, 1-based): chr3:9,918,093, T>G. VCF-style: chr3-9918093-T-G. GRCh37 (hg19) VCF-style: chr3-9959777-T-G.
Other names: c.493+18T>G (NM_153461.4); c.280+18T>G (NM_001203263.2, NM_001203264.2, NM_001367278.1 and 5 more transcripts).
Identifiers: ClinVar variation 4721694 (VCV004721694.1).

ClinVar aggregate classification (germline): Uncertain significance (1 of 4 stars; one submission).

Conditions:
Candidiasis, familial, 9 (CANDF9). Identifiers: Orphanet 1334, MedGen C4225324, MONDO:0014642, OMIM 616445.

Submission:

Labcorp Genetics (formerly Invitae), Labcorp
Classification: Uncertain significance for Candidiasis, familial, 9. Last evaluated: 2025-06-18. Review status: criteria provided, single submitter. Criteria: Invitae Variant Classification Sherloc (09022015). Collection method: clinical testing. Allele origin: germline.
Comment: This sequence change falls in intron 3 of the IL17RC gene. It does not directly change the encoded amino acid sequence of the IL17RC protein. This variant is not present in population databases (gnomAD no frequency). This variant has not been reported in the literature in individuals affected with IL17RC-related conditions. Algorithms developed to predict the effect of sequence changes on RNA splicing suggest that this variant may create or strengthen a splice site. In summary, the available evidence is currently insufficient to determine the role of this variant in disease. Therefore, it has been classified as a Variant of Uncertain Significance.